The following is an entry in ClinVar:

ClinVar aggregate classification (germline): Uncertain significance (1 of 4 stars; one submission).

Conditions:
Brugada syndrome 5 (BRGDA5). Identifiers: Orphanet 130, Orphanet 871, MedGen C2748541, MONDO:0013015, OMIM 612838.

Allele frequency attached by ClinVar (database versions not stated): gnomAD exomes below 0.00001; ExAC 0.00001.
gnomAD v4.1: 2 of 1,614,076 alleles (0.00012%); highest among the groups gnomAD compares: East Asian, 0.0022%; no homozygotes.

Submission:

Labcorp Genetics (formerly Invitae), Labcorp
Classification: Uncertain significance for Brugada syndrome 5. Last evaluated: 2023-12-04. Review status: criteria provided, single submitter. Criteria: Invitae Variant Classification Sherloc (09022015). Collection method: clinical testing. Allele origin: germline.
Comment: This sequence change replaces isoleucine, which is neutral and non-polar, with valine, which is neutral and non-polar, at codon 144 of the SCN1B protein (p.Ile144Val). This variant is present in population databases (rs745657953, gnomAD 0.006%). This variant has not been reported in the literature in individuals affected with SCN1B-related conditions. An algorithm developed to predict the effect of missense changes on protein structure and function (PolyPhen-2) suggests that this variant is likely to be tolerated. In summary, the available evidence is currently insufficient to determine the role of this variant in disease. Therefore, it has been classified as a Variant of Uncertain Significance.

NM_001037.5(SCN1B):c.430A>G (p.Ile144Val)

Gene: SCN1B (sodium voltage-gated channel beta subunit 1; plus strand). Cytogenetic location: 19q13.11.
Variant type: single nucleotide variant.
Coding change: c.430A>G on transcript NM_001037.5 (MANE Select); coding-DNA position 430, A replaced by G.
Protein change: p.Ile144Val; replaces isoleucine 144 with valine.
Molecular consequence: missense variant.
Genome position (GRCh38, 1-based): chr19:35,033,721, A>G. VCF-style: chr19-35033721-A-G. GRCh37 (hg19) VCF-style: chr19-35524625-A-G.
Other names: c.331A>G, p.Ile111Val (NM_001321605.2); c.430A>G, p.Ile144Val (NM_199037.5); short protein forms I144V, I111V.
Identifiers: ClinVar variation 2734035 (VCV002734035.3), dbSNP rs745657953, ClinGen allele CA9372016.